The following is an entry in ClinVar:

ClinVar aggregate classification (germline): Benign/Likely benign. Review status: criteria provided, multiple submitters, no conflicts (2 of 4 stars). 4 submissions from 4 submitters: Benign (1); Likely benign (3). Last evaluated 2025-03-06.

Conditions:
Hereditary cancer-predisposing syndrome. Also called: Tumor predisposition; Hereditary neoplastic syndrome; Neoplastic Syndromes, Hereditary; Hereditary Cancer Syndrome. Identifiers: Orphanet 140162, MedGen C0027672, MeSH D009386, MONDO:0015356.
Familial cancer of breast. Also called: BREAST CANCER, FAMILIAL; hereditary breast carcinoma; Hereditary breast cancer. Identifiers: Orphanet 227535, MedGen C0346153, MONDO:0016419, OMIM 114480. Disease mechanism: loss of function.

Submissions (4):

Ambry Genetics
Classification: Likely benign for Hereditary cancer-predisposing syndrome. Last evaluated: 2025-03-06. Review status: criteria provided, single submitter. Criteria: Ambry Variant Classification Scheme 2023. Collection method: clinical testing. Allele origin: germline.

Myriad Genetics, Inc.
Classification: Benign for Familial cancer of breast. Last evaluated: 2024-10-07. Review status: criteria provided, single submitter. Criteria: Myriad Autosomal Dominant, Autosomal Recessive and X-Linked Classification Criteria (2023). Collection method: clinical testing. Allele origin: unknown.
Comment: This variant is considered benign. This variant is a silent/synonymous amino acid change and it is not expected to impact splicing.

Labcorp Genetics (formerly Invitae), Labcorp
Classification: Likely benign for Familial cancer of breast. Last evaluated: 2024-07-09. Review status: criteria provided, single submitter. Criteria: Invitae Variant Classification Sherloc (09022015). Collection method: clinical testing. Allele origin: germline.

GeneDx
Classification: Likely benign. Last evaluated: 2017-07-28. Review status: criteria provided, single submitter. Criteria: GeneDx Variant Classification (06012015). Collection method: clinical testing. Allele origin: germline. Affected: yes.
Comment: This variant is considered likely benign or benign based on one or more of the following criteria: it is a conservative change, it occurs at a poorly conserved position in the protein, it is predicted to be benign by multiple in silico algorithms, and/or has population frequency not consistent with disease.

NM_007194.4(CHEK2):c.1209G>T (p.Gly403=)

Gene: CHEK2 (checkpoint kinase 2; minus strand). Cytogenetic location: 22q12.1.
Variant type: single nucleotide variant.
Coding change: c.1209G>T on transcript NM_007194.4 (MANE Select); coding-DNA position 1209, G replaced by T.
Protein change: p.Gly403=; no amino-acid change (glycine 403 retained).
Molecular consequence: synonymous variant.
Genome position (GRCh38, 1-based): chr22:28,695,760, C>A on the plus strand (G>T on the coding strand, the complement: CHEK2 is on the minus strand). VCF-style: chr22-28695760-C-A. GRCh37 (hg19) VCF-style: chr22-29091748-C-A.
Other names: c.1338G>T, p.Gly446= (NM_001005735.3); c.546G>T, p.Gly182= (NM_001257387.3); c.1008G>T, p.Gly336= (NM_001349956.3); c.1122G>T, p.Gly374= (NM_145862.3).
Identifiers: ClinVar variation 516548 (VCV000516548.5), dbSNP rs1350419049, ClinGen allele CA513944879.